The following is an entry in ClinVar:

NM_001330588.2(TPP2):c.2619T>G (p.Tyr873Ter)

Gene: TPP2 (tripeptidyl peptidase 2; plus strand). Cytogenetic location: 13q33.1.
Variant type: single nucleotide variant.
Coding change: c.2619T>G on transcript NM_001330588.2 (MANE Select); coding-DNA position 2619, T replaced by G.
Protein change: p.Tyr873Ter; replaces tyrosine 873 with a stop codon.
Molecular consequence: nonsense. On other transcripts: non-coding transcript variant (1).
Genome position (GRCh38, 1-based): chr13:102,647,335, T>G. VCF-style: chr13-102647335-T-G. GRCh37 (hg19) VCF-style: chr13-103299685-T-G.
Other names: c.2619T>G, p.Tyr873Ter (NM_001367947.1, NM_003291.4); short protein forms Y873*.
Identifiers: ClinVar variation 2100401 (VCV002100401.4), dbSNP rs2504031824, ClinGen allele CA388500356.

ClinVar aggregate classification (germline): Pathogenic (1 of 4 stars; one submission).

Conditions:
Evans syndrome, immunodeficiency, and premature immunosenescence associated with tripeptidyl-peptidase II deficiency. Identifiers: MedGen CN231723. Disease mechanism: loss of function.

Submission:

Labcorp Genetics (formerly Invitae), Labcorp
Classification: Pathogenic for Evans syndrome, immunodeficiency, and premature immunosenescence associated with tripeptidyl-peptidase II deficiency. Last evaluated: 2022-02-20. Review status: criteria provided, single submitter. Criteria: Invitae Variant Classification Sherloc (09022015). Collection method: clinical testing. Allele origin: germline.
Comment: This variant has not been reported in the literature in individuals affected with TPP2-related conditions. This variant is not present in population databases (gnomAD no frequency). This sequence change creates a premature translational stop signal (p.Tyr873*) in the TPP2 gene. It is expected to result in an absent or disrupted protein product. Loss-of-function variants in TPP2 are known to be pathogenic (PMID: 25414442). For these reasons, this variant has been classified as Pathogenic.

Literature cited by the submitters: PubMed 25414442.